The following is an entry in ClinVar:

ClinVar aggregate classification (germline): Uncertain significance (1 of 4 stars; one submission).

gnomAD v4.1: 1 of 1,599,316 alleles (0.000063%); highest among the groups gnomAD compares: Non-Finnish European, 0.000085%; no homozygotes.

Submission:

GeneDx
Classification: Uncertain significance. Last evaluated: 2026-03-23. Review status: criteria provided, single submitter. Criteria: GeneDx Variant Classification Process June 2021. Collection method: clinical testing. Allele origin: germline.
Comment: Not observed at significant frequency in large population cohorts (gnomAD); In silico analysis suggests that this missense variant does not alter protein structure/function; Has not been previously published as pathogenic or benign to our knowledge

NM_030665.4(RAI1):c.3044G>A (p.Cys1015Tyr)

Gene: RAI1 (retinoic acid induced 1; plus strand). Cytogenetic location: 17p11.2.
Variant type: single nucleotide variant.
Coding change: c.3044G>A on transcript NM_030665.4 (MANE Select); coding-DNA position 3044, G replaced by A.
Protein change: p.Cys1015Tyr; replaces cysteine 1015 with tyrosine.
Molecular consequence: missense variant.
Genome position (GRCh38, 1-based): chr17:17,795,992, G>A. VCF-style: chr17-17795992-G-A. GRCh37 (hg19) VCF-style: chr17-17699306-G-A.
Other names: short protein forms C1015Y.
Identifiers: ClinVar variation 5017268 (VCV005017268.1).
Genomic context (GRCh38, chr17:17,795,992, plus strand): 5'-GCAAAAGCTTACGGAGCCGTCGGGTGCACCGGGGGCTGCCCGAGGCCGAGGACTCCCCAT[G>A]CAGGGCACCAGTGCTGCCCAAAGACCTCTTGCTCCCTGAATCCTGCACAGGGCCCCCCCA-3'
Protein context (NP_109590.3, residues 1005-1025): RGLPEAEDSP[Cys1015Tyr]RAPVLPKDLL